The following is an entry in ClinVar:

NM_001257281.2(DIS3L2):c.1688G>A (p.Arg563Gln)

Gene: DIS3L2 (DIS3 like 3'-5' exoribonuclease 2; plus strand). Cytogenetic location: 2q37.1.
Variant type: single nucleotide variant.
Coding change: c.1688G>A on transcript NM_001257281.2; coding-DNA position 1688, G replaced by A.
Protein change: p.Arg563Gln; replaces arginine 563 with glutamine.
Molecular consequence: missense variant.
Genome position (GRCh38, 1-based): chr2:232,343,451, G>A. VCF-style: chr2-232343451-G-A. GRCh37 (hg19) VCF-style: chr2-233208161-G-A.
Other names: short protein forms R563Q.
Identifiers: ClinVar variation 997650 (VCV000997650.4), dbSNP rs562056053, ClinGen allele CA2164750.

ClinVar aggregate classification (germline): Uncertain significance (1 of 4 stars; one submission).

Conditions:
Perlman syndrome (PRLMNS). Identifiers: Orphanet 2849, MedGen C0796113, MONDO:0009965, OMIM 267000.

Allele frequency attached by ClinVar (database versions not stated): gnomAD exomes 0.00007; 1000 Genomes Project 30x 0.00016; 1000 Genomes Project 0.00020; gnomAD 0.00029 and 0.00027; ExAC 0.00005; TOPMed 0.00025.
gnomAD v4.1: 79 of 1,555,884 alleles (0.0051%); highest among the groups gnomAD compares: African/African-American, 0.082%; no homozygotes.

Submission:

Baylor Genetics
Classification: Uncertain significance for Perlman syndrome. Last evaluated: 2020-06-20. Review status: criteria provided, single submitter. Criteria: ACMG Guidelines, 2015. Collection method: clinical testing. Allele origin: unknown. Affected: yes. Study: CSER-TexasKidsCanSeq.
Comment: This variant was determined to be of uncertain significance according to ACMG Guidelines, 2015 [PMID:25741868].